The following is an entry in ClinVar:

NM_152564.5(VPS13B):c.11956del (p.Met3986fs)

Gene: VPS13B (vacuolar protein sorting 13 homolog B; plus strand). Cytogenetic location: 8q22.2.
Variant type: Deletion.
Coding change: c.11956del on transcript NM_152564.5 (MANE Select); coding-DNA position 11956, one base deleted (A; older notation c.11956delA).
Protein change: p.Met3986fs; shifts the reading frame from methionine 3986.
Molecular consequence: frameshift variant.
Genome position (GRCh38, 1-based): chr8:99,875,628, A deleted. VCF-style (leftmost placement, unchanged base first): chr8-99875627-CA-C. GRCh37 (hg19) VCF-style: chr8-100887855-CA-C.
Other names: c.12031del, p.Met4011fs (NM_017890.5); short protein forms M3986fs, M4011fs.
Identifiers: ClinVar variation 2105869 (VCV002105869.4), dbSNP rs1817664776, ClinGen allele CA1117131808.

ClinVar aggregate classification (germline): Uncertain significance (1 of 4 stars; one submission).

Conditions:
Cohen syndrome (COH1). Also called: Cutis verticis gyrata, retinitis pigmentosa, and sensorineural deafness; PEPPER SYNDROME. Identifiers: Orphanet 193, MedGen C0265223, MONDO:0008999, OMIM 216550.

Allele frequency attached by ClinVar (database versions not stated): TOPMed below 0.00001; gnomAD 0.00001.

Submission:

Labcorp Genetics (formerly Invitae), Labcorp
Classification: Uncertain significance for Cohen syndrome. Last evaluated: 2022-03-04. Review status: criteria provided, single submitter. Criteria: Invitae Variant Classification Sherloc (09022015). Collection method: clinical testing. Allele origin: germline.
Comment: This variant is not present in population databases (gnomAD no frequency). In summary, the available evidence is currently insufficient to determine the role of this variant in disease. Therefore, it has been classified as a Variant of Uncertain Significance. Experimental studies and prediction algorithms are not available or were not evaluated, and the functional significance of this variant is currently unknown. This variant has not been reported in the literature in individuals affected with VPS13B-related conditions. This sequence change creates a premature translational stop signal (p.Met4011Trpfs*2) in the VPS13B gene. While this is not anticipated to result in nonsense mediated decay, it is expected to disrupt the last 12 amino acid(s) of the VPS13B protein.